The following is an entry in ClinVar:

NM_000171.4(GLRA1):c.1240A>C (p.Lys414Gln)

Gene: GLRA1 (glycine receptor alpha 1; minus strand). Cytogenetic location: 5q33.1.
Variant type: single nucleotide variant.
Coding change: c.1240A>C on transcript NM_000171.4 (MANE Select); coding-DNA position 1240, A replaced by C.
Protein change: p.Lys414Gln; replaces lysine 414 with glutamine.
Molecular consequence: missense variant.
Genome position (GRCh38, 1-based): chr5:151,822,783, T>G on the plus strand (A>C on the coding strand, the complement: GLRA1 is on the minus strand). VCF-style: chr5-151822783-T-G. GRCh37 (hg19) VCF-style: chr5-151202344-T-G.
Other names: c.1264A>C, p.Lys422Gln (NM_001146040.2); c.991A>C, p.Lys331Gln (NM_001292000.2); short protein forms K331Q, K414Q, K422Q.
Identifiers: ClinVar variation 2198106 (VCV002198106.4), dbSNP rs1037723601, ClinGen allele CA130006197.

ClinVar aggregate classification (germline): Uncertain significance (1 of 4 stars; one submission).

Conditions:
Hereditary hyperekplexia. Identifiers: Orphanet 3197, MedGen C4084968, MONDO:0021022.

Allele frequency attached by ClinVar (database versions not stated): TOPMed below 0.00001; gnomAD 0.00001.
gnomAD v4.1: 23 of 1,613,948 alleles (0.0014%); highest among the groups gnomAD compares: Non-Finnish European, 0.0019%; no homozygotes.

Submission:

Labcorp Genetics (formerly Invitae), Labcorp
Classification: Uncertain significance for Hereditary hyperekplexia. Last evaluated: 2024-10-30. Review status: criteria provided, single submitter. Criteria: Invitae Variant Classification Sherloc (09022015). Collection method: clinical testing. Allele origin: germline.
Comment: This sequence change replaces lysine, which is basic and polar, with glutamine, which is neutral and polar, at codon 414 of the GLRA1 protein (p.Lys414Gln). This variant is not present in population databases (gnomAD no frequency). This variant has not been reported in the literature in individuals affected with GLRA1-related conditions. ClinVar contains an entry for this variant (Variation ID: 2198106). Invitae Evidence Modeling of protein sequence and biophysical properties (such as structural, functional, and spatial information, amino acid conservation, physicochemical variation, residue mobility, and thermodynamic stability) indicates that this missense variant is not expected to disrupt GLRA1 protein function with a negative predictive value of 80%. In summary, the available evidence is currently insufficient to determine the role of this variant in disease. Therefore, it has been classified as a Variant of Uncertain Significance.